The following is an entry in ClinVar:

ClinVar aggregate classification (germline): Uncertain significance (1 of 4 stars; one submission).

Conditions:
Hereditary sensory and autonomic neuropathy type 6. Also called: HSAN VI; Neuropathy, hereditary sensory and autonomic, type VI. Identifiers: Orphanet 314381, MedGen C3539003, MONDO:0013839, OMIM 614653.
Epidermolysis bullosa simplex 3, localized or generalized intermediate, with BP230 deficiency (EBS3). Also called: Epidermolysis bullosa simplex, autosomal recessive 2; Epidermolysis bullosa simplex due to BP230 deficiency. Identifiers: Orphanet 412181, MedGen C3809470, MONDO:0014180, OMIM 615425.

Allele frequency attached by ClinVar (database versions not stated): gnomAD exomes below 0.00001 and 0.00001; ExAC 0.00001; gnomAD 0.00001; TOPMed 0.00002.
gnomAD v4.1: 3 of 1,611,860 alleles (0.00019%); highest among the groups gnomAD compares: Admixed American, 0.0033%; no homozygotes.

Submission:

Labcorp Genetics (formerly Invitae), Labcorp
Classification: Uncertain significance for Epidermolysis bullosa simplex 3, localized or generalized intermediate, with BP230 deficiency; Hereditary sensory and autonomic neuropathy type 6. Last evaluated: 2021-11-28. Review status: criteria provided, single submitter. Criteria: Invitae Variant Classification Sherloc (09022015). Collection method: clinical testing. Allele origin: germline.
Comment: This sequence change replaces glutamine, which is neutral and polar, with arginine, which is basic and polar, at codon 138 of the DST protein (p.Gln138Arg). This variant is present in population databases (rs777910087, gnomAD 0.003%). This variant has not been reported in the literature in individuals affected with DST-related conditions. Algorithms developed to predict the effect of missense changes on protein structure and function (SIFT, PolyPhen-2, Align-GVGD) all suggest that this variant is likely to be disruptive. Algorithms developed to predict the effect of sequence changes on RNA splicing suggest that this variant may create or strengthen a splice site. In summary, the available evidence is currently insufficient to determine the role of this variant in disease. Therefore, it has been classified as a Variant of Uncertain Significance.

NM_001374736.1(DST):c.2024A>G (p.Gln675Arg)

Gene: DST (dystonin; minus strand). Cytogenetic location: 6p12.1.
Variant type: single nucleotide variant.
Coding change: c.2024A>G on transcript NM_001374736.1 (MANE Select); coding-DNA position 2024, A replaced by G.
Protein change: p.Gln675Arg; replaces glutamine 675 with arginine.
Molecular consequence: missense variant.
Genome position (GRCh38, 1-based): chr6:56,641,950, T>C on the plus strand (A>G on the coding strand, the complement: DST is on the minus strand). VCF-style: chr6-56641950-T-C. GRCh37 (hg19) VCF-style: chr6-56506748-T-C.
Other names: c.1925A>G, p.Gln642Arg (NM_001144769.5); c.1511A>G, p.Gln504Arg (NM_001144770.2); c.2024A>G, p.Gln675Arg (NM_001374722.1); c.1391A>G, p.Gln464Arg (NM_001374729.1, NM_001374730.1, NM_001386100.1 and 1 more transcripts); c.2051A>G, p.Gln684Arg (NM_001374734.1); c.413A>G, p.Gln138Arg (NM_001723.7, NM_015548.5); short protein forms Q464R, Q504R, Q642R, Q675R, Q684R, Q138R.
Identifiers: ClinVar variation 1476285 (VCV001476285.3), dbSNP rs777910087, ClinGen allele CA3871512.
Genomic context (GRCh38, chr6:56,641,950, plus strand): 5'-TGCCCATGAAACAGTTACACAAAAAAAGGACAGAGAAAGAATAAGTAGCACTCTTACCTC[T>C]GTACCAATTGATCTGCCTGGTAGTATTTTCCATCAATAAGAATCTGTACATCAATTACAT-3'
Protein context (NP_001361665.1, residues 665-685): GKYYQADQLV[Gln675Arg]RVAKLRDEIM